The following is an entry in ClinVar:

NM_001273.5(CHD4):c.687G>A (p.Ala229=)

Gene: CHD4 (chromodomain helicase DNA binding protein 4; minus strand). Cytogenetic location: 12p13.31.
Variant type: single nucleotide variant.
Coding change: c.687G>A on transcript NM_001273.5 (MANE Select); coding-DNA position 687, G replaced by A.
Protein change: p.Ala229=; no amino-acid change (alanine 229 retained).
Molecular consequence: synonymous variant.
Genome position (GRCh38, 1-based): chr12:6,601,401, C>T on the plus strand (G>A on the coding strand, the complement: CHD4 is on the minus strand). VCF-style: chr12-6601401-C-T. GRCh37 (hg19) VCF-style: chr12-6710567-C-T.
Other names: c.666G>A, p.Ala222= (NM_001297553.2); c.687G>A, p.Ala229= (NM_001363606.2); c.687G>A (NM_001273.2).
Identifiers: ClinVar variation 746216 (VCV000746216.15), dbSNP rs546882640, ClinGen allele CA6412447.

ClinVar aggregate classification (germline): Benign/Likely benign. Review status: criteria provided, multiple submitters, no conflicts (2 of 4 stars). 4 submissions from 4 submitters: Benign (1); Likely benign (2). 1 of the submissions does not count toward it. Last evaluated 2026-05-01.

Conditions:
CHD4-related disorder. Also called: CHD4-related condition.
Inborn genetic diseases. Identifiers: MedGen C0950123, MeSH D030342.

Allele frequency attached by ClinVar (database versions not stated): gnomAD 0.00006 and 0.00007; gnomAD exomes 0.00007 and 0.00033; 1000 Genomes Project 30x 0.00016; TOPMed 0.00016; 1000 Genomes Project 0.00020; ExAC 0.00023.
gnomAD v4.1: 116 of 1,614,142 alleles (0.0072%); highest among the groups gnomAD compares: Admixed American, 0.16%; no homozygotes.

Submissions (4):

CeGaT Center for Human Genetics Tuebingen
Classification: Likely benign. Last evaluated: 2026-05-01. Review status: criteria provided, single submitter. Criteria: CeGaT Center For Human Genetics Tuebingen Variant Classification Criteria Version 2. Collection method: clinical testing. Allele origin: germline. Affected: yes. Observed: 4 variant alleles.
Comment: CHD4: BP4, BP7, BS1

Labcorp Genetics (formerly Invitae), Labcorp
Classification: Benign. Last evaluated: 2026-01-12. Review status: criteria provided, single submitter. Criteria: Invitae Variant Classification Sherloc (09022015). Collection method: clinical testing. Allele origin: germline.

Ambry Genetics
Classification: Likely benign for Inborn genetic diseases. Last evaluated: 2024-11-29. Review status: criteria provided, single submitter. Criteria: Ambry Variant Classification Scheme 2023. Collection method: clinical testing. Allele origin: germline.

PreventionGenetics, part of Exact Sciences
Classification: Likely benign for CHD4-related condition. Last evaluated: 2019-11-12. Review status: no assertion criteria provided. Collection method: clinical testing. Allele origin: germline. Not counted in ClinVar's aggregate classification.
Comment: This variant is classified as likely benign based on ACMG/AMP sequence variant interpretation guidelines (Richards et al. 2015 PMID: 25741868, with internal and published modifications).